The following is an entry in ClinVar:

NM_000026.4(ADSL):c.655G>A (p.Val219Ile)

Gene: ADSL (adenylosuccinate lyase; plus strand). Cytogenetic location: 22q13.1.
Variant type: single nucleotide variant.
Coding change: c.655G>A on transcript NM_000026.4 (MANE Select); coding-DNA position 655, G replaced by A.
Protein change: p.Val219Ile; replaces valine 219 with isoleucine.
Molecular consequence: missense variant. On other transcripts: non-coding transcript variant (1).
Genome position (GRCh38, 1-based): chr22:40,359,260, G>A. VCF-style: chr22-40359260-G-A. GRCh37 (hg19) VCF-style: chr22-40755264-G-A.
Other names: c.655G>A, p.Val219Ile (NM_001123378.3, NM_001363840.3); c.463G>A, p.Val155Ile (NM_001317923.2); short protein forms V219I, V155I.
Identifiers: ClinVar variation 459616 (VCV000459616.8), dbSNP rs1555907605, ClinGen allele CA411641687.

ClinVar aggregate classification (germline): Uncertain significance (1 of 4 stars; one submission).

Conditions:
Adenylosuccinate lyase deficiency (ADSLD). Also called: ADSL DEFICIENCY. Identifiers: Orphanet 46, MedGen C0268126, MONDO:0007068, OMIM 103050.

Submission:

Labcorp Genetics (formerly Invitae), Labcorp
Classification: Uncertain significance for Adenylosuccinate lyase deficiency. Last evaluated: 2022-11-21. Review status: criteria provided, single submitter. Criteria: Invitae Variant Classification Sherloc (09022015). Collection method: clinical testing. Allele origin: germline.
Comment: This variant has not been reported in the literature in individuals affected with ADSL-related conditions. This variant is not present in population databases (gnomAD no frequency). This sequence change replaces valine, which is neutral and non-polar, with isoleucine, which is neutral and non-polar, at codon 219 of the ADSL protein (p.Val219Ile). ClinVar contains an entry for this variant (Variation ID: 459616). In summary, the available evidence is currently insufficient to determine the role of this variant in disease. Therefore, it has been classified as a Variant of Uncertain Significance. Algorithms developed to predict the effect of missense changes on protein structure and function (SIFT, PolyPhen-2, Align-GVGD) all suggest that this variant is likely to be disruptive.